The following is an entry in ClinVar:

NM_000168.6(GLI3):c.1221C>T (p.Ser407=)

Gene: GLI3 (GLI family zinc finger 3; minus strand). Cytogenetic location: 7p14.1.
Variant type: single nucleotide variant.
Coding change: c.1221C>T on transcript NM_000168.6 (MANE Select); coding-DNA position 1221, C replaced by T.
Protein change: p.Ser407=; no amino-acid change (serine 407 retained).
Molecular consequence: synonymous variant.
Genome position (GRCh38, 1-based): chr7:42,026,220, G>A on the plus strand (C>T on the coding strand, the complement: GLI3 is on the minus strand). VCF-style: chr7-42026220-G-A. GRCh37 (hg19) VCF-style: chr7-42065819-G-A.
Identifiers: ClinVar variation 908134 (VCV000908134.45), dbSNP rs369180011, ClinGen allele CA4230930.

ClinVar aggregate classification (germline): Benign/Likely benign. Review status: criteria provided, multiple submitters, no conflicts (2 of 4 stars). 6 submissions from 4 submitters: Benign (1); Likely benign (4). 1 of the submissions does not count toward it. Last evaluated 2026-09-01.

Conditions:
Greig cephalopolysyndactyly syndrome (GCPS). Also called: GLI3-Related Greig Cephalopolysyndactyly Syndrome; POLYSYNDACTYLY WITH PECULIAR SKULL SHAPE; Greig syndrome. Identifiers: Orphanet 380, MedGen C0265306, MONDO:0008287, OMIM 175700.
Pallister-Hall syndrome (PHS). Also called: HYPOTHALAMIC HAMARTOBLASTOMA, HYPOPITUITARISM, IMPERFORATE ANUS, AND POSTAXIAL POLYDACTYLY; GLI3-Related Pallister-Hall Syndrome. Identifiers: Orphanet 672, MedGen C0265220, MONDO:0007804, OMIM 146510.
GLI3-related disorder. Also called: GLI3-related disorders; GLI3-related condition. Identifiers: MedGen CN239292.
Polydactyly. Also called: polydactylism. Identifiers: MedGen C0152427, MONDO:0021003, OMIM 603596, HP:0010442.

Allele frequency attached by ClinVar (database versions not stated): ExAC 0.00004; gnomAD 0.00004; gnomAD exomes 0.00004; TOPMed 0.00004; ESP Exome Variant Server 0.00008.
gnomAD v4.1: 71 of 1,613,102 alleles (0.0044%); highest among the groups gnomAD compares: Admixed American, 0.005%; no homozygotes.

Submissions (6):

CeGaT Center for Human Genetics Tuebingen
Classification: Likely benign. Last evaluated: 2026-09-01. Review status: criteria provided, single submitter. Criteria: CeGaT Center For Human Genetics Tuebingen Variant Classification Criteria Version 2. Collection method: clinical testing. Allele origin: germline. Affected: yes. Observed: 3 variant alleles.
Comment: GLI3: BP4, BP7

Labcorp Genetics (formerly Invitae), Labcorp
Classification: Benign for Pallister-Hall syndrome; Greig cephalopolysyndactyly syndrome. Last evaluated: 2024-11-03. Review status: criteria provided, single submitter. Criteria: Invitae Variant Classification Sherloc (09022015). Collection method: clinical testing. Allele origin: germline.

Illumina Laboratory Services, Illumina
Classification: Likely benign for Polydactyly. Last evaluated: 2018-01-12. Review status: criteria provided, single submitter. Criteria: ICSL Variant Classification Criteria 13 December 2019. Collection method: clinical testing. Allele origin: germline.
Comment: This variant was observed in the ICSL laboratory as part of a predisposition screen in an ostensibly healthy population. It had not been previously curated by ICSL or reported in the Human Gene Mutation Database (HGMD: prior to June 1st, 2018), and was therefore a candidate for classification through an automated scoring system. Utilizing variant allele frequency, disease prevalence and penetrance estimates, and inheritance mode, an automated score was calculated to assess if this variant is too frequent to cause the disease. Based on the score and internal cut-off values, a variant classified as likely benign is not then subjected to further curation. The score for this variant resulted in a classification of likely benign for this disease.

Illumina Laboratory Services, Illumina
Classification: Likely benign for Greig cephalopolysyndactyly syndrome. Last evaluated: 2018-01-12. Review status: criteria provided, single submitter. Criteria: ICSL Variant Classification Criteria 13 December 2019. Collection method: clinical testing. Allele origin: germline.
Comment: the same text as in the submission from Illumina Laboratory Services, Illumina above.

Illumina Laboratory Services, Illumina
Classification: Likely benign for Pallister-Hall syndrome. Last evaluated: 2018-01-12. Review status: criteria provided, single submitter. Criteria: ICSL Variant Classification Criteria 13 December 2019. Collection method: clinical testing. Allele origin: germline.
Comment: the same text as in the submission from Illumina Laboratory Services, Illumina above.

PreventionGenetics, part of Exact Sciences
Classification: Likely benign for GLI3-related condition. Last evaluated: 2019-12-09. Review status: no assertion criteria provided. Collection method: clinical testing. Allele origin: germline. Not counted in ClinVar's aggregate classification.
Comment: This variant is classified as likely benign based on ACMG/AMP sequence variant interpretation guidelines (Richards et al. 2015 PMID: 25741868, with internal and published modifications).